The following is an entry in ClinVar:

NM_001970.5(EIF5A):c.237G>A (p.Met79Ile)

Gene: EIF5A (eukaryotic translation initiation factor 5A; plus strand). Cytogenetic location: 17p13.1.
Variant type: single nucleotide variant.
Coding change: c.237G>A on transcript NM_001970.5 (MANE Select); coding-DNA position 237, G replaced by A.
Protein change: p.Met79Ile; replaces methionine 79 with isoleucine.
Molecular consequence: missense variant.
Genome position (GRCh38, 1-based): chr17:7,311,089, G>A. VCF-style: chr17-7311089-G-A. GRCh37 (hg19) VCF-style: chr17-7214408-G-A.
Other names: c.327G>A, p.Met109Ile (NM_001143760.1); c.237G>A, p.Met79Ile (NM_001143761.1, NM_001143762.2, NM_001370420.1 and 1 more transcripts); short protein forms M109I, M79I.
Identifiers: ClinVar variation 3253486 (VCV003253486.1), dbSNP rs2508673829.

ClinVar aggregate classification (germline): Uncertain significance (1 of 4 stars; one submission).

Submission:

GeneDx
Classification: Uncertain significance. Last evaluated: 2023-12-07. Review status: criteria provided, single submitter. Criteria: GeneDx Variant Classification Process June 2021. Collection method: clinical testing. Allele origin: germline. Affected: yes.
Comment: Not observed at significant frequency in large population cohorts (gnomAD); In silico analysis supports that this missense variant has a deleterious effect on protein structure/function; Has not been previously published as pathogenic or benign to our knowledge